The following is an entry in ClinVar:

ClinVar aggregate classification (germline): Pathogenic (1 of 4 stars; one submission).

Conditions:
Hereditary antithrombin deficiency (AT3D). Also called: Antithrombin III deficiency; Thrombophilia due to antithrombin III deficiency; Reduced antithrombin III activity; Antithrombin deficiency. Identifiers: Orphanet 82, MedGen C0272375, MONDO:0013144, OMIM 613118, HP:0001976.

Submission:

Labcorp Genetics (formerly Invitae), Labcorp
Classification: Pathogenic for Hereditary antithrombin deficiency. Last evaluated: 2016-08-15. Review status: criteria provided, single submitter. Criteria: Invitae Variant Classification Sherloc (09022015). Collection method: clinical testing. Allele origin: germline.
Comment: A gross deletion of the genomic region encompassing the full coding sequence of the SERPINC1 gene has been identified. The boundaries of this event are unknown as the deletion extends beyond the assayed region for this gene and therefore may encompass additional genes. Loss-of-function variants in SERPINC1 are known to be pathogenic. Deletions of the entire coding sequence of the SERPINC1 gene, also known as ATIII and AT3 in the literature, have been reported in individuals affected with antithrombin deficiency (PMID: 3663935, 10823268, 16956830). For these reasons, this variant has been classified as Pathogenic.

NC_000001.11:g.(?_173903804)_(173917378_?)del

Gene: SERPINC1 (serpin family C member 1; minus strand). Cytogenetic location: 1q25.1.
Variant type: Deletion.
Identifiers: ClinVar variation 417521 (VCV000417521.1).